The following is an entry in ClinVar:

ClinVar aggregate classification (germline): Conflicting classifications of pathogenicity. Review status: criteria provided, conflicting classifications (1 of 4 stars). 2 submissions from 2 submitters: Likely pathogenic (1); Uncertain significance (1). Last evaluated 2022-01-16.

Conditions:
Neuronal ceroid lipofuscinosis 7 (CLN7). Also called: MFSD8-Related Neuronal Ceroid-Lipofuscinosis. Identifiers: Orphanet 168491, Orphanet 228366, MedGen C1838571, MONDO:0012588, OMIM 610951.
MFSD8-related disorders.

Allele frequency attached by ClinVar (database versions not stated): TOPMed below 0.00001; gnomAD 0.00001; gnomAD exomes 0.00001.
gnomAD v4.1: 21 of 1,613,950 alleles (0.0013%); highest among the groups gnomAD compares: Non-Finnish European, 0.0017%; no homozygotes.

Submissions (2):

Labcorp Genetics (formerly Invitae), Labcorp
Classification: Uncertain significance for Neuronal ceroid lipofuscinosis 7. Last evaluated: 2022-01-16. Review status: criteria provided, single submitter. Criteria: Invitae Variant Classification Sherloc (09022015). Collection method: clinical testing. Allele origin: germline.
Comment: This sequence change replaces serine, which is neutral and polar, with proline, which is neutral and non-polar, at codon 460 of the MFSD8 protein (p.Ser460Pro). This variant is not present in population databases (gnomAD no frequency). This variant has not been reported in the literature in individuals affected with MFSD8-related conditions. Algorithms developed to predict the effect of missense changes on protein structure and function are either unavailable or do not agree on the potential impact of this missense change (SIFT: "Deleterious"; PolyPhen-2: "Probably Damaging"; Align-GVGD: "Class C0"). In summary, the available evidence is currently insufficient to determine the role of this variant in disease. Therefore, it has been classified as a Variant of Uncertain Significance.

Blueprint Genetics
Classification: Likely pathogenic for MFSD8-related disorders. Last evaluated: 2019-03-14. Review status: criteria provided, single submitter. Criteria: ACMG Guidelines, 2015. Collection method: clinical testing. Allele origin: germline. Affected: yes. Observed: 1 variant allele.

NM_001371596.2(MFSD8):c.1378T>C (p.Ser460Pro)

Gene: MFSD8 (major facilitator superfamily domain containing 8; minus strand). Cytogenetic location: 4q28.2.
Variant type: single nucleotide variant.
Coding change: c.1378T>C on transcript NM_001371596.2 (MANE Select); coding-DNA position 1378, T replaced by C.
Protein change: p.Ser460Pro; replaces serine 460 with proline.
Molecular consequence: missense variant.
Genome position (GRCh38, 1-based): chr4:127,920,809, A>G on the plus strand (T>C on the coding strand, the complement: MFSD8 is on the minus strand). VCF-style: chr4-127920809-A-G. GRCh37 (hg19) VCF-style: chr4-128841964-A-G.
Other names: c.1177T>C, p.Ser393Pro (NM_001363520.3); c.1063T>C, p.Ser355Pro (NM_001363521.3); c.1243T>C, p.Ser415Pro (NM_001371590.2); c.1387T>C, p.Ser463Pro (NM_001371591.2); c.1384T>C, p.Ser462Pro (NM_001371592.2); c.1264T>C, p.Ser422Pro (NM_001371593.2); c.1231T>C, p.Ser411Pro (NM_001371594.2); c.1096T>C, p.Ser366Pro (NM_001371595.1); and 3 more; short protein forms S310P, S355P, S366P, S393P, S411P, S415P, S422P, S460P.
Identifiers: ClinVar variation 2416777 (VCV002416777.4), dbSNP rs997240488, ClinGen allele CA105670078.